The following is an entry in ClinVar:

NM_001256012.3(MYH10):c.2265C>G (p.Phe755Leu)

Gene: MYH10 (myosin heavy chain 10; minus strand). Cytogenetic location: 17p13.1.
Variant type: single nucleotide variant.
Coding change: c.2265C>G on transcript NM_001256012.3 (MANE Select); coding-DNA position 2265, C replaced by G.
Protein change: p.Phe755Leu; replaces phenylalanine 755 with leucine.
Molecular consequence: missense variant.
Genome position (GRCh38, 1-based): chr17:8,520,886, G>C on the plus strand (C>G on the coding strand, the complement: MYH10 is on the minus strand). VCF-style: chr17-8520886-G-C. GRCh37 (hg19) VCF-style: chr17-8424204-G-C.
Other names: c.2199C>G, p.Phe733Leu (NM_001256095.2); c.2202C>G, p.Phe734Leu (NM_001375266.1); c.2172C>G, p.Phe724Leu (NM_005964.5); short protein forms F724L, F733L, F734L, F755L.
Identifiers: ClinVar variation 2502628 (VCV002502628.1), dbSNP rs1332956839, ClinGen allele CA398040603.

ClinVar aggregate classification (germline): Uncertain significance (1 of 4 stars; one submission).

Submission:

GeneDx
Classification: Uncertain significance. Last evaluated: 2022-11-21. Review status: criteria provided, single submitter. Criteria: GeneDx Variant Classification Process June 2021. Collection method: clinical testing. Allele origin: germline. Affected: yes.
Comment: Not observed at significant frequency in large population cohorts (gnomAD); In silico analysis supports that this missense variant has a deleterious effect on protein structure/function; Has not been previously published as pathogenic or benign to our knowledge